The following is an entry in ClinVar:

NM_001377.3(DYNC2H1):c.2422G>A (p.Gly808Ser)

Gene: DYNC2H1 (dynein cytoplasmic 2 heavy chain 1; plus strand). Cytogenetic location: 11q22.3.
Variant type: single nucleotide variant.
Coding change: c.2422G>A on transcript NM_001377.3 (MANE Select); coding-DNA position 2422, G replaced by A.
Protein change: p.Gly808Ser; replaces glycine 808 with serine.
Molecular consequence: missense variant.
Genome position (GRCh38, 1-based): chr11:103,135,796, G>A. VCF-style: chr11-103135796-G-A. GRCh37 (hg19) VCF-style: chr11-103006525-G-A.
Other names: c.2422G>A (NM_001080463.1); c.2422G>A, p.Gly808Ser (NM_001080463.2); short protein forms G808S.
Identifiers: ClinVar variation 1377745 (VCV001377745.6), dbSNP rs372055203, ClinGen allele CA6253037.
Genomic context (GRCh38, chr11:103,135,796, plus strand): 5'-TTCAGGCCCCCTTTTGAAGAAATCCGGGCTAAATATTATAGAGAAATGAAGAGATTCATC[G>A]GCATTCCAAATCAGTTTAAGGGAGTGGGTGAGGCAGGAGATGAATCTATTTTTTCTATTA-3'
Protein context (NP_001368.2, residues 798-818): KYYREMKRFI[Gly808Ser]IPNQFKGVGE

ClinVar aggregate classification (germline): Conflicting classifications of pathogenicity. Review status: criteria provided, conflicting classifications (1 of 4 stars). 3 submissions from 3 submitters: Uncertain significance (2); Likely benign (1). Last evaluated 2025-08-29.

Conditions:
Jeune thoracic dystrophy. Also called: Jeune syndrome; Infantile thoracic dystrophy; Thoracic pelvic phalangeal dystrophy; Jeune's syndrome; Chondroectodermal dysplasia-like syndrome; Short-rib thoracic dysplasia. Identifiers: Orphanet 474, MedGen C0265275, MONDO:0018770.
Inborn genetic diseases. Identifiers: MedGen C0950123, MeSH D030342.
Asphyxiating thoracic dystrophy 3. Also called: Saldino-Noonan Syndrome; SHORT-RIB THORACIC DYSPLASIA 3 WITH OR WITHOUT POLYDACTYLY; POLYDACTYLY WITH NEONATAL CHONDRODYSTROPHY, TYPE I; SHORT-RIB THORACIC DYSPLASIA 3/6 WITH POLYDACTYLY, DIGENIC; Short rib polydactyly syndrome 2B. Identifiers: Orphanet 474, Orphanet 93269, Orphanet 93270, Orphanet 93271, MedGen C0036069, MONDO:0013127, OMIM 613091.

Allele frequency attached by ClinVar (database versions not stated): ExAC 0.00003; TOPMed 0.00004; gnomAD 0.00005 and 0.00006; gnomAD exomes 0.00005 and 0.00008; ESP Exome Variant Server 0.00009; 1000 Genomes Project 30x 0.00016.
gnomAD v4.1: 122 of 1,612,890 alleles (0.0076%); highest among the groups gnomAD compares: Middle Eastern, 0.017%; no homozygotes.

Submissions (3):

Ambry Genetics
Classification: Likely benign for Inborn genetic diseases. Last evaluated: 2025-08-29. Review status: criteria provided, single submitter. Criteria: Ambry Variant Classification Scheme 2023. Collection method: clinical testing. Allele origin: germline.

Labcorp Genetics (formerly Invitae), Labcorp
Classification: Uncertain significance for Jeune thoracic dystrophy. Last evaluated: 2024-02-24. Review status: criteria provided, single submitter. Criteria: Invitae Variant Classification Sherloc (09022015). Collection method: clinical testing. Allele origin: germline.
Comment: This sequence change replaces glycine, which is neutral and non-polar, with serine, which is neutral and polar, at codon 808 of the DYNC2H1 protein (p.Gly808Ser). This variant is present in population databases (rs372055203, gnomAD 0.007%). This variant has not been reported in the literature in individuals affected with DYNC2H1-related conditions. ClinVar contains an entry for this variant (Variation ID: 1377745). Advanced modeling of protein sequence and biophysical properties (such as structural, functional, and spatial information, amino acid conservation, physicochemical variation, residue mobility, and thermodynamic stability) performed at Invitae indicates that this missense variant is not expected to disrupt DYNC2H1 protein function with a negative predictive value of 95%. In summary, the available evidence is currently insufficient to determine the role of this variant in disease. Therefore, it has been classified as a Variant of Uncertain Significance.

Fulgent Genetics
Classification: Uncertain significance for Asphyxiating thoracic dystrophy 3. Last evaluated: 2022-05-09. Review status: criteria provided, single submitter. Criteria: ACMG Guidelines, 2015. Collection method: clinical testing. Allele origin: unknown.